The following is an entry in ClinVar:

ClinVar aggregate classification (germline): Conflicting classifications of pathogenicity. Review status: criteria provided, conflicting classifications (1 of 4 stars). 5 submissions from 5 submitters: Uncertain significance (3); Likely benign (1). 1 of the submissions does not count toward it. Last evaluated 2025-11-14.

Conditions:
Polycystic kidney disease, adult type (PKD1). Also called: POLYCYSTIC KIDNEY DISEASE, ADULT, TYPE I; Polycystic Kidney, Autosomal Dominant; Polycystic Kidney Disease 1, Autosomal Dominant; Polycystic kidney disease 1; Polycystic kidney disease 1, severe; POLYCYSTIC KIDNEY DISEASE 1 WITH OR WITHOUT POLYCYSTIC LIVER DISEASE. Identifiers: MedGen C3149841, MONDO:0008263, OMIM 173900.
Inborn genetic diseases. Identifiers: MedGen C0950123, MeSH D030342.

Allele frequency attached by ClinVar (database versions not stated): gnomAD 0.00006 and 0.00007; TOPMed 0.00008; gnomAD exomes 0.00018 and 0.00005; ExAC below 0.00001.
gnomAD v4.1: 275 of 1,545,232 alleles (0.018%); highest among the groups gnomAD compares: Non-Finnish European, 0.021%; 1 homozygote.

Submissions (5):

Women's Health and Genetics/Laboratory Corporation of America, LabCorp
Classification: Uncertain significance. Last evaluated: 2025-11-14. Review status: criteria provided, single submitter. Criteria: LabCorp Variant Classification Summary - May 2015. Collection method: clinical testing. Allele origin: germline.
Comment: Variant summary: PKD1 c.7034C>T (p.Ala2345Val) results in a non-conservative amino acid change in the encoded protein sequence. Algorithms developed to predict the effect of missense changes on protein structure and function are either unavailable or do not agree on the potential impact of this missense change. The variant allele was found at a frequency of 4.8e-05 in 147340 control chromosomes. The available data on variant occurrences in the general population are insufficient to allow any conclusion about variant significance. To our knowledge, no occurrence of c.7034C>T in individuals affected with PKD1-related conditions and no experimental evidence demonstrating its impact on protein function have been reported. ClinVar contains an entry for this variant (Variation ID: 635521). Based on the evidence outlined above, the variant was classified as uncertain significance.

Blueprint Genetics
Classification: Likely benign. Last evaluated: 2024-08-28. Review status: criteria provided, single submitter. Criteria: ACMG Guidelines, 2015. Collection method: clinical testing. Allele origin: germline.

Fulgent Genetics
Classification: Uncertain significance for Polycystic kidney disease, adult type. Last evaluated: 2024-04-17. Review status: criteria provided, single submitter. Criteria: ACMG Guidelines, 2015. Collection method: clinical testing. Allele origin: germline.

Ambry Genetics
Classification: Uncertain significance for Inborn genetic diseases. Last evaluated: 2023-11-09. Review status: criteria provided, single submitter. Criteria: Ambry Variant Classification Scheme 2023. Collection method: clinical testing. Allele origin: germline.

Bioscientia Institut fuer Medizinische Diagnostik GmbH, Sonic Healthcare
Classification: Uncertain significance for Polycystic kidney disease, adult type. Last evaluated: 2018-11-26. Review status: no assertion criteria provided. Collection method: clinical testing. Allele origin: germline. Affected: yes. Not counted in ClinVar's aggregate classification.

NM_001009944.3(PKD1):c.7034C>T (p.Ala2345Val)

Gene: PKD1 (polycystin 1, transient receptor potential channel interacting; minus strand). Cytogenetic location: 16p13.3.
Variant type: single nucleotide variant.
Coding change: c.7034C>T on transcript NM_001009944.3 (MANE Select); coding-DNA position 7034, C replaced by T.
Protein change: p.Ala2345Val; replaces alanine 2345 with valine.
Molecular consequence: missense variant.
Genome position (GRCh38, 1-based): chr16:2,107,914, G>A on the plus strand (C>T on the coding strand, the complement: PKD1 is on the minus strand). VCF-style: chr16-2107914-G-A. GRCh37 (hg19) VCF-style: chr16-2157915-G-A.
Other names: c.7034C>T, p.Ala2345Val (NM_000296.4); c.7034C>T (NM_000296.3); short protein forms A2345V.
Identifiers: ClinVar variation 635521 (VCV000635521.7), dbSNP rs769636582, ClinGen allele CA7831342.